The following is an entry in ClinVar:

NM_001368809.2(AMPD2):c.102_103del (p.Gly35fs)

Gene: AMPD2 (adenosine monophosphate deaminase 2; plus strand). Cytogenetic location: 1p13.3.
Variant type: Deletion.
Coding change: c.102_103del on transcript NM_001368809.2 (MANE Select); coding-DNA positions 102 to 103, 2 bases deleted (TG; older notation c.102_103delTG).
Protein change: p.Gly35fs; shifts the reading frame from glycine 35.
Molecular consequence: frameshift variant. On other transcripts: 5 prime UTR variant (1), intron variant (1).
Genome position (GRCh38, 1-based): chr1:109,625,313-109,625,314, TG deleted; deleting any 2 consecutive bases within chr1:109,625,312-109,625,314 gives the same sequence; the c. name uses the placement nearest the transcript's 3' end. VCF-style (leftmost placement, unchanged base first): chr1-109625311-GGT-G. GRCh37 (hg19) VCF-style: chr1-110167933-GGT-G.
Other names: c.102_103delTG (NM_004037.9); c.264_265delTG (NM_001257360.1); c.-91_-90del (NM_001257361.2); c.102_103del, p.Gly35fs (NM_004037.9); c.21_22del, p.Gly8fs (NM_139156.4); c.264_265del (NM_001257360.1); c.160-349_160-348del (NM_001308170.1); short protein forms G35fs, G8fs.
Identifiers: ClinVar variation 426650 (VCV000426650.7), dbSNP rs1156299044, ClinGen allele CA525289042.

ClinVar aggregate classification (germline): Pathogenic/Likely pathogenic. Review status: criteria provided, multiple submitters, no conflicts (2 of 4 stars). 3 submissions from 3 submitters: Pathogenic (1); Likely pathogenic (2). Last evaluated 2025-10-23.

Conditions:
Hereditary spastic paraplegia 63. Also called: Spastic paraplegia 63, autosomal recessive. Identifiers: Orphanet 401805, MedGen C3810295, MONDO:0014305, OMIM 615686.
Pontocerebellar hypoplasia type 9. Identifiers: Orphanet 369920, MedGen C4014354, MONDO:0014351, OMIM 615809.

Submissions (3):

Labcorp Genetics (formerly Invitae), Labcorp
Classification: Pathogenic for Pontocerebellar hypoplasia type 9; Hereditary spastic paraplegia 63. Last evaluated: 2025-10-23. Review status: criteria provided, single submitter. Criteria: Invitae Variant Classification Sherloc (09022015). Collection method: clinical testing. Allele origin: germline.
Comment: This sequence change creates a premature translational stop signal (p.Gly89Serfs*48) in the AMPD2 gene. It is expected to result in an absent or disrupted protein product. Loss-of-function variants in AMPD2 are known to be pathogenic (PMID: 23911318). This variant is present in population databases (no rsID available, gnomAD 0.003%). This variant has not been reported in the literature in individuals affected with AMPD2-related conditions. ClinVar contains an entry for this variant (Variation ID: 426650). For these reasons, this variant has been classified as Pathogenic.

First Genomix Gene Laboratory, Genetic Diagnostics Department
Classification: Likely pathogenic for Hereditary spastic paraplegia 63; Pontocerebellar hypoplasia type 9. Last evaluated: 2025-03-18. Review status: criteria provided, single submitter. Criteria: ACMG Guidelines, 2015. Collection method: clinical testing. Allele origin: germline. Inheritance: Autosomal recessive inheritance. Affected: no. Observed: 1 variant allele.

GeneDx
Classification: Likely pathogenic. Last evaluated: 2023-01-31. Review status: criteria provided, single submitter. Criteria: GeneDx Variant Classification Process June 2021. Collection method: clinical testing. Allele origin: germline. Affected: yes.
Comment: Frameshift variant predicted to result in protein truncation or nonsense mediated decay in a gene for which loss of function is a known mechanism of disease; Not observed at significant frequency in large population cohorts (gnomAD); Has not been previously published as pathogenic or benign to our knowledge

Literature cited by the submitters: PubMed 23911318 (cited by Labcorp Genetics (formerly Invitae), Labcorp).